The following is an entry in ClinVar:

NM_033305.3(VPS13A):c.8869dup (p.Arg2957fs)

Gene: VPS13A (vacuolar protein sorting 13 homolog A; plus strand). Cytogenetic location: 9q21.2.
Variant type: Duplication.
Coding change: c.8869dup on transcript NM_033305.3 (MANE Select); coding-DNA position 8869, one base duplicated (A; older notation c.8869dupA).
Protein change: p.Arg2957fs; shifts the reading frame from arginine 2957.
Molecular consequence: frameshift variant.
Genome position (GRCh38, 1-based): chr9:77,370,540, A duplicated. VCF-style (leftmost placement, unchanged base first): chr9-77370539-T-TA. GRCh37 (hg19) VCF-style: chr9-79985455-T-TA.
Other names: c.8752dup, p.Arg2918fs (NM_001018037.2); c.8869dup, p.Arg2957fs (NM_001018038.3, NM_015186.4); short protein forms R2918fs, R2957fs.
Identifiers: ClinVar variation 3642750 (VCV003642750.2).

ClinVar aggregate classification (germline): Pathogenic (1 of 4 stars; one submission).

Submission:

Labcorp Genetics (formerly Invitae), Labcorp
Classification: Pathogenic. Last evaluated: 2024-02-23. Review status: criteria provided, single submitter. Criteria: Invitae Variant Classification Sherloc (09022015). Collection method: clinical testing. Allele origin: germline.
Comment: This sequence change creates a premature translational stop signal (p.Arg2957Lysfs*17) in the VPS13A gene. It is expected to result in an absent or disrupted protein product. Loss-of-function variants in VPS13A are known to be pathogenic (PMID: 12404112, 21598378). This variant is not present in population databases (gnomAD no frequency). This variant has not been reported in the literature in individuals affected with VPS13A-related conditions. For these reasons, this variant has been classified as Pathogenic.

Literature cited by the submitters: PubMed 12404112; PubMed 21598378.